The following is an entry in ClinVar:

ClinVar aggregate classification (germline): Uncertain significance (1 of 4 stars; one submission).

Submissions (3):

GeneDx
Classification: Uncertain significance. Last evaluated: 2026-05-20. Review status: criteria provided, single submitter. Criteria: GeneDx Variant Classification Process June 2021. Collection method: clinical testing. Allele origin: germline.
Comment: Not observed at significant frequency in large population cohorts (gnomAD); In silico analysis supports that this missense variant has a deleterious effect on protein structure/function; Has not been previously published as pathogenic or benign to our knowledge

Dr. Peter K. Rogan Lab, Western University
No classification provided (evidence only). Condition: Thyroid cancer, nonmedullary, 1. Review status: no classification provided. Collection method: in vitro. Allele origin: not applicable. Functional consequence: retained intron. Not counted in ClinVar's aggregate classification.

Dr. Peter K. Rogan Lab, Western University
No classification provided (evidence only). Condition: Thyroid cancer, nonmedullary, 1. Review status: no classification provided. Collection method: in vitro. Allele origin: not applicable. Functional consequence: retained intron. Not counted in ClinVar's aggregate classification.

NM_001379110.1(SLC9A6):c.1408G>A (p.Val470Met)

Gene: SLC9A6 (solute carrier family 9 member A6; plus strand). Cytogenetic location: Xq26.3.
Variant type: single nucleotide variant.
Coding change: c.1408G>A on transcript NM_001379110.1 (MANE Select); coding-DNA position 1408, G replaced by A.
Protein change: p.Val470Met; replaces valine 470 with methionine.
Molecular consequence: missense variant.
Genome position (GRCh38, 1-based): chrX:136,024,431, G>A. VCF-style: chrX-136024431-G-A. GRCh37 (hg19) VCF-style: chrX-135106590-G-A.
Other names: NC_000023.10:g.135106590G>A; c.1564G>A, p.Val522Met (NM_001042537.2); c.1408G>A, p.Val470Met (NM_001177651.2, NM_001400909.1, NM_001400910.1 and 2 more transcripts); c.1312G>A, p.Val438Met (NM_001330652.2, NM_001400913.1); c.1468G>A, p.Val490Met (NM_006359.3); short protein forms V438M, V470M, V490M, V522M.
Identifiers: ClinVar variation 3369602 (VCV003369602.3).
Genomic context (GRCh38, chrX:136,024,431, plus strand): 5'-ACTGCCACTTATGCACGGCAAATGATGTTCAGCACCACGCTTCTGATTGTGTTTTTTACC[G>A]TGTGGGTATTTGGTGGTGGCACCACTGCAATGCTGTCATGCTTGCATATCAGGTAAGTAC-3'
Protein context (NP_001366039.1, residues 460-480): STTLLIVFFT[Val470Met]WVFGGGTTAM